The following is an entry in ClinVar:

ClinVar aggregate classification (germline): Uncertain significance (1 of 4 stars; one submission).

Conditions:
Primary ciliary dyskinesia. Also called: Ciliary dyskinesia. Identifiers: Orphanet 244, MedGen C0008780, MONDO:0016575, HP:0012265.

Allele frequency attached by ClinVar (database versions not stated): gnomAD exomes below 0.00001; gnomAD 0.00001.
gnomAD v4.1: 4 of 1,603,810 alleles (0.00025%); highest among the groups gnomAD compares: African/African-American, 0.004%; no homozygotes.

Submission:

Labcorp Genetics (formerly Invitae), Labcorp
Classification: Uncertain significance for Primary ciliary dyskinesia. Last evaluated: 2025-05-13. Review status: criteria provided, single submitter. Criteria: Invitae Variant Classification Sherloc (09022015). Collection method: clinical testing. Allele origin: germline.
Comment: This sequence change replaces asparagine, which is neutral and polar, with aspartic acid, which is acidic and polar, at codon 3744 of the DNAH8 protein (p.Asn3744Asp). This variant is not present in population databases (gnomAD no frequency). This variant has not been reported in the literature in individuals affected with DNAH8-related conditions. ClinVar contains an entry for this variant (Variation ID: 855693). Invitae Evidence Modeling of protein sequence and biophysical properties (such as structural, functional, and spatial information, amino acid conservation, physicochemical variation, residue mobility, and thermodynamic stability) has been performed for this missense variant. However, the output from this modeling did not meet the statistical confidence thresholds required to predict the impact of this variant on DNAH8 protein function. In summary, the available evidence is currently insufficient to determine the role of this variant in disease. Therefore, it has been classified as a Variant of Uncertain Significance.

NM_001206927.2(DNAH8):c.11230A>G (p.Asn3744Asp)

Genes: DNAH8 (dynein axonemal heavy chain 8; plus strand), DNAH8-AS1 (DNAH8 antisense RNA 1; minus strand). Cytogenetic location: 6p21.2.
Variant type: single nucleotide variant.
Coding change: c.11230A>G on transcript NM_001206927.2 (MANE Select); coding-DNA position 11230, A replaced by G.
Protein change: p.Asn3744Asp; replaces asparagine 3744 with aspartic acid.
Molecular consequence: missense variant.
Genome position (GRCh38, 1-based): chr6:38,929,622, A>G. VCF-style: chr6-38929622-A-G. GRCh37 (hg19) VCF-style: chr6-38897398-A-G.
Other names: c.10579A>G, p.Asn3527Asp (NM_001371.4); short protein forms N3527D, N3744D.
Identifiers: ClinVar variation 855693 (VCV000855693.10), dbSNP rs1213044875, ClinGen allele CA364016731.